The following is an entry in ClinVar:

ClinVar aggregate classification (germline): Uncertain significance (1 of 4 stars; one submission).

Conditions:
Hereditary cancer-predisposing syndrome. Also called: Neoplastic Syndromes, Hereditary; Tumor predisposition; Hereditary Cancer Syndrome; Hereditary neoplastic syndrome. Identifiers: Orphanet 140162, MedGen C0027672, MeSH D009386, MONDO:0015356.

Submission:

Ambry Genetics
Classification: Uncertain significance for Hereditary cancer-predisposing syndrome. Last evaluated: 2025-11-22. Review status: criteria provided, single submitter. Criteria: Ambry Variant Classification Scheme 2023. Collection method: clinical testing. Allele origin: germline.
Comment: The p.M293T variant (also known as c.878T>C), located in coding exon 6 of the RAD50 gene, results from a T to C substitution at nucleotide position 878. The methionine at codon 293 is replaced by threonine, an amino acid with similar properties. This amino acid position is conserved. In addition, the in silico prediction for this alteration is inconclusive. Based on the available evidence, the clinical significance of this variant remains unclear.

NM_005732.4(RAD50):c.878T>C (p.Met293Thr)

Gene: RAD50 (RAD50 double strand break repair protein; plus strand). Cytogenetic location: 5q31.1.
Variant type: single nucleotide variant.
Coding change: c.878T>C on transcript NM_005732.4 (MANE Select); coding-DNA position 878, T replaced by C.
Protein change: p.Met293Thr; replaces methionine 293 with threonine.
Molecular consequence: missense variant.
Genome position (GRCh38, 1-based): chr5:132,587,683, T>C. VCF-style: chr5-132587683-T-C. GRCh37 (hg19) VCF-style: chr5-131923375-T-C.
Other names: short protein forms M293T.
Identifiers: ClinVar variation 4678128 (VCV004678128.1).
Genomic context (GRCh38, chr5:132,587,683, plus strand): 5'-AAGCCTTGGATAGCCGAAAGAAGCAAATGGAGAAAGATAATAGTGAACTGGAAGAGAAAA[T>C]GGAAAAGGTTTGTGGTGGTAGAATTTTGTTCTGCTTCAAAATTTTGGGATTATTGTAATG-3'
Protein context (NP_005723.2, residues 283-303): EKDNSELEEK[Met293Thr]EKVFQGTDEQ